The following is an entry in ClinVar:

NM_006031.6(PCNT):c.8258G>A (p.Arg2753His)

Gene: PCNT (pericentrin; plus strand). Cytogenetic location: 21q22.3.
Variant type: single nucleotide variant.
Coding change: c.8258G>A on transcript NM_006031.6 (MANE Select); coding-DNA position 8258, G replaced by A.
Protein change: p.Arg2753His; replaces arginine 2753 with histidine.
Molecular consequence: missense variant.
Genome position (GRCh38, 1-based): chr21:46,431,722, G>A. VCF-style: chr21-46431722-G-A. GRCh37 (hg19) VCF-style: chr21-47851636-G-A.
Other names: p.R2753H:CGC>CAC; c.7904G>A, p.Arg2635His (NM_001315529.2); short protein forms R2753H, R2635H.
Identifiers: ClinVar variation 138610 (VCV000138610.19), dbSNP rs743346, ClinGen allele CA173119.
Genomic context (GRCh38, chr21:46,431,722, plus strand): 5'-TGGCTCAGGAGCGGAGCCAGCTCTCTGAGCTCCAGAAGGACCTTGCGGCTGAGAAGAGCC[G>A]CACCCTGGAGCTGTCAGAGGCCTTGCGGCACGAGCGGCTCCTGACCGAGCAGCTGAGCCA-3'
Protein context (NP_006022.3, residues 2743-2763): LQKDLAAEKS[Arg2753His]TLELSEALRH

ClinVar aggregate classification (germline): Benign. Review status: criteria provided, multiple submitters, no conflicts (2 of 4 stars). 7 submissions from 7 submitters: Benign (5). 2 of the submissions do not count toward it. Last evaluated 2026-02-02.

Conditions:
Microcephalic osteodysplastic primordial dwarfism type II (MOPD2). Also called: Microcephalic osteodysplastic primordial dwarfism with tooth abnormalities; OSTEODYSPLASTIC PRIMORDIAL DWARFISM, TYPE II; MOPD II. Identifiers: Orphanet 2637, MedGen C0432246, MONDO:0008872, OMIM 210720.

Allele frequency attached by ClinVar (database versions not stated): 1000 Genomes Project 30x 0.02295; 1000 Genomes Project 0.02356; TOPMed 0.04326; gnomAD exomes 0.04621 and 0.05548; ExAC 0.04736; gnomAD 0.04797 and 0.04982; ESP Exome Variant Server 0.05244.
gnomAD v4.1: 88,025 of 1,611,716 alleles (5.5%); highest among the groups gnomAD compares: Non-Finnish European, 6.1%; 2,754 homozygotes.

Submissions (7):

Labcorp Genetics (formerly Invitae), Labcorp
Classification: Benign. Last evaluated: 2026-02-02. Review status: criteria provided, single submitter. Criteria: Invitae Variant Classification Sherloc (09022015). Collection method: clinical testing. Allele origin: germline.

Illumina Laboratory Services, Illumina
Classification: Benign for Microcephalic osteodysplastic primordial dwarfism type II. Last evaluated: 2018-01-12. Review status: criteria provided, single submitter. Criteria: ICSL Variant Classification Criteria 13 December 2019. Collection method: clinical testing. Allele origin: germline.
Comment: This variant was observed in the ICSL laboratory as part of a predisposition screen in an ostensibly healthy population. It had not been previously curated by ICSL or reported in the Human Gene Mutation Database (HGMD: prior to June 1st, 2018), and was therefore a candidate for classification through an automated scoring system. Utilizing variant allele frequency, disease prevalence and penetrance estimates, and inheritance mode, an automated score was calculated to assess if this variant is too frequent to cause the disease. Based on the score and internal cut-off values, a variant classified as benign is not then subjected to further curation. The score for this variant resulted in a classification of benign for this disease.

GeneDx
Classification: Benign. Last evaluated: 2014-03-31. Review status: criteria provided, single submitter. Criteria: GeneDx Variant Classification (06012015). Collection method: clinical testing. Allele origin: germline. Affected: yes.
Comment: This variant is considered likely benign or benign based on one or more of the following criteria: it is a conservative change, it occurs at a poorly conserved position in the protein, it is predicted to be benign by multiple in silico algorithms, and/or has population frequency not consistent with disease.

Genetic Services Laboratory, University of Chicago
Classification: Benign. Last evaluated: 2013-02-08. Review status: criteria provided, single submitter. Criteria: ACMG Guidelines, 2007. Collection method: clinical testing. Allele origin: germline. Inheritance: Autosomal recessive inheritance.

Breakthrough Genomics
Classification: Benign. Review status: criteria provided, single submitter. Criteria: ACMG Guidelines, 2015. Collection method: not provided. Allele origin: germline. Inheritance: Autosomal recessive inheritance. Affected: yes.

Clinical Genetics DNA and cytogenetics Diagnostics Lab, Erasmus MC, Erasmus Medical Center
Classification: Benign. Review status: no assertion criteria provided. Collection method: clinical testing. Allele origin: germline. Affected: yes. Study: VKGL Data-share Consensus. Not counted in ClinVar's aggregate classification.

Laboratory of Diagnostic Genome Analysis, Leiden University Medical Center (LUMC)
Classification: Likely benign. Review status: no assertion criteria provided. Collection method: clinical testing. Allele origin: germline. Affected: yes. Study: VKGL Data-share Consensus. Not counted in ClinVar's aggregate classification.